The following is an entry in ClinVar:

ClinVar aggregate classification (germline): Uncertain significance (1 of 4 stars; one submission).

Allele frequency attached by ClinVar (database versions not stated): gnomAD 0.00001.
gnomAD v4.1: 1 of 1,614,064 alleles (0.000062%); highest among the groups gnomAD compares: Non-Finnish European, 0.000085%; no homozygotes.

Submission:

Ambry Genetics
Classification: Uncertain significance. Last evaluated: 2021-10-19. Review status: criteria provided, single submitter. Criteria: Ambry Variant Classification Scheme 2023. Collection method: clinical testing. Allele origin: germline.
Comment: The p.G695A variant (also known as c.2084G>C), located in coding exon 4 of the ALPK2 gene, results from a G to C substitution at nucleotide position 2084. The glycine at codon 695 is replaced by alanine, an amino acid with similar properties. This amino acid position is conserved. In addition, this alteration is predicted to be tolerated by in silico analysis. Since supporting evidence is limited at this time, the clinical significance of this alteration remains unclear.

NM_052947.4(ALPK2):c.2084G>C (p.Gly695Ala)

Gene: ALPK2 (alpha kinase 2; minus strand). Cytogenetic location: 18q21.31.
Variant type: single nucleotide variant.
Coding change: c.2084G>C on transcript NM_052947.4 (MANE Select); coding-DNA position 2084, G replaced by C.
Protein change: p.Gly695Ala; replaces glycine 695 with alanine.
Molecular consequence: missense variant.
Genome position (GRCh38, 1-based): chr18:58,538,103, C>G on the plus strand (G>C on the coding strand, the complement: ALPK2 is on the minus strand). VCF-style: chr18-58538103-C-G. GRCh37 (hg19) VCF-style: chr18-56205335-C-G.
Other names: short protein forms G695A.
Identifiers: ClinVar variation 1785614 (VCV001785614.2), dbSNP rs1446032318, ClinGen allele CA402571743.